The following is an entry in ClinVar:

NM_000257.4(MYH7):c.3376C>G (p.Arg1126Gly)

Gene: MYH7 (myosin heavy chain 7; minus strand). Cytogenetic location: 14q11.2.
Variant type: single nucleotide variant.
Coding change: c.3376C>G on transcript NM_000257.4 (MANE Select); coding-DNA position 3376, C replaced by G.
Protein change: p.Arg1126Gly; replaces arginine 1126 with glycine.
Molecular consequence: missense variant.
Genome position (GRCh38, 1-based): chr14:23,420,195, G>C on the plus strand (C>G on the coding strand, the complement: MYH7 is on the minus strand). VCF-style: chr14-23420195-G-C. GRCh37 (hg19) VCF-style: chr14-23889404-G-C.
Other names: c.3376C>G, p.Arg1126Gly (NM_001407004.1); short protein forms R1126G.
Identifiers: ClinVar variation 3387316 (VCV003387316.3).

ClinVar aggregate classification (germline): Uncertain significance. Review status: criteria provided, multiple submitters, no conflicts (2 of 4 stars). 2 submissions from 2 submitters: Uncertain significance (2). Last evaluated 2024-09-29.

Conditions:
Cardiomyopathy (CMYO). Also called: Cardiomyopathies. Identifiers: Orphanet 167848, MedGen C0878544, MONDO:0004994, HP:0001638. Inheritance: Various modes of inheritance.
Hypertrophic cardiomyopathy. Also called: HYPERTROPHIC MYOCARDIOPATHY. Identifiers: Orphanet 217569, MedGen C0007194, MeSH D002312, MONDO:0005045, HP:0001639.

gnomAD v4.1: 1 of 1,607,860 alleles (0.000062%); highest among the groups gnomAD compares: Admixed American, 0.0017%; no homozygotes.

Submissions (2):

Labcorp Genetics (formerly Invitae), Labcorp
Classification: Uncertain significance for Hypertrophic cardiomyopathy. Last evaluated: 2024-09-29. Review status: criteria provided, single submitter. Criteria: Invitae Variant Classification Sherloc (09022015). Collection method: clinical testing. Allele origin: germline.
Comment: This sequence change replaces arginine, which is basic and polar, with glycine, which is neutral and non-polar, at codon 1126 of the MYH7 protein (p.Arg1126Gly). This variant is not present in population databases (gnomAD no frequency). This variant has not been reported in the literature in individuals affected with MYH7-related conditions. Invitae Evidence Modeling of protein sequence and biophysical properties (such as structural, functional, and spatial information, amino acid conservation, physicochemical variation, residue mobility, and thermodynamic stability) indicates that this missense variant is expected to disrupt MYH7 protein function with a positive predictive value of 95%. In summary, the available evidence is currently insufficient to determine the role of this variant in disease. Therefore, it has been classified as a Variant of Uncertain Significance.

All of Us Research Program, National Institutes of Health
Classification: Uncertain significance for Cardiomyopathy. Last evaluated: 2024-04-25. Review status: criteria provided, single submitter. Criteria: ACMG Guidelines, 2015. Collection method: clinical testing. Allele origin: germline. Inheritance: Autosomal dominant inheritance. Observed: 1 variant allele, 1 heterozygote.
Comment: This missense variant replaces arginine with glycine at codon 1126 of the MYH7 protein. Computational prediction suggests that this variant may have deleterious impact on protein structure and function (internally defined REVEL score threshold >= 0.7, PMID: 27666373). To our knowledge, functional studies have not been reported for this variant. This variant has not been reported in individuals affected with MYH7-related disorders in the literature. This variant has not been identified in the general population by the Genome Aggregation Database (gnomAD). The available evidence is insufficient to determine the role of this variant in disease conclusively. Therefore, this variant is classified as a Variant of Uncertain Significance.

This study involves interpretation of variants in research participants for the purpose of population health screening. Participant phenotype was not available at the time of variant classification. Additional details can be found in publication PMID: 35346344, PMCID: PMC8962531